The following is an entry in ClinVar:

ClinVar aggregate classification (germline): Pathogenic (1 of 4 stars; one submission).

Conditions:
Thrombophilia due to protein S deficiency, autosomal recessive (THPH6). Identifiers: Orphanet 743, MedGen C3281092, MONDO:0013791, OMIM 614514. Disease mechanism: loss of function.

gnomAD v4.1: 2 of 1,613,682 alleles (0.00012%); highest among the groups gnomAD compares: Non-Finnish European, 0.00017%; no homozygotes.

Submission:

Labcorp Genetics (formerly Invitae), Labcorp
Classification: Pathogenic for Thrombophilia due to protein S deficiency, autosomal recessive. Last evaluated: 2023-12-19. Review status: criteria provided, single submitter. Criteria: Invitae Variant Classification Sherloc (09022015). Collection method: clinical testing. Allele origin: germline.
Comment: This sequence change creates a premature translational stop signal (p.Gly489*) in the PROS1 gene. It is expected to result in an absent or disrupted protein product. Loss-of-function variants in PROS1 are known to be pathogenic (PMID: 9241758). This variant is not present in population databases (gnomAD no frequency). This premature translational stop signal has been observed in individual(s) with protein S deficiency disease (PMID: 7545463). This variant is also known as Gly448Term. For these reasons, this variant has been classified as Pathogenic.

Literature cited by the submitters: PubMed 9241758; PubMed 7545463.

NM_000313.4(PROS1):c.1465G>T (p.Gly489Ter)

Gene: PROS1 (protein S; minus strand). Cytogenetic location: 3q11.1.
Variant type: single nucleotide variant.
Coding change: c.1465G>T on transcript NM_000313.4 (MANE Select); coding-DNA position 1465, G replaced by T.
Protein change: p.Gly489Ter; replaces glycine 489 with a stop codon.
Molecular consequence: nonsense.
Genome position (GRCh38, 1-based): chr3:93,884,755, C>A on the plus strand (G>T on the coding strand, the complement: PROS1 is on the minus strand). VCF-style: chr3-93884755-C-A. GRCh37 (hg19) VCF-style: chr3-93603599-C-A.
Other names: c.1561G>T, p.Gly521Ter (NM_001314077.2); short protein forms G489*, G521*.
Identifiers: ClinVar variation 2734546 (VCV002734546.3), dbSNP rs762438750, ClinGen allele CA353667673.